The following is an entry in ClinVar:

NM_001110556.2(FLNA):c.1979T>C (p.Met660Thr)

Gene: FLNA (filamin A; minus strand). Cytogenetic location: Xq28.
Variant type: single nucleotide variant.
Coding change: c.1979T>C on transcript NM_001110556.2 (MANE Select); coding-DNA position 1979, T replaced by C.
Protein change: p.Met660Thr; replaces methionine 660 with threonine.
Molecular consequence: missense variant.
Genome position (GRCh38, 1-based): chrX:154,364,569, A>G on the plus strand (T>C on the coding strand, the complement: FLNA is on the minus strand). VCF-style: chrX-154364569-A-G. GRCh37 (hg19) VCF-style: chrX-153592937-A-G.
Other names: c.1979T>C, p.Met660Thr (NM_001456.4); short protein forms M660T.
Identifiers: ClinVar variation 4886893 (VCV004886893.1).

ClinVar aggregate classification (germline): Uncertain significance (1 of 4 stars; one submission).

Conditions:
Cardiac valvular dysplasia, X-linked (CVDPX). Also called: MYXOMATOUS VALVULAR DYSTROPHY, X-LINKED; VALVULAR HEART DISEASE, CONGENITAL; FLNA-Related X-linked Cardiac Valvular Dysplasia; Congenital valvular dysplasia; Isolated X-Linked Cardiac Valvular Dysplasia. Identifiers: Orphanet 1864, Orphanet 555877, Orphanet 75497, MedGen C0262436, MONDO:0010753, OMIM 314400.

Submission:

Institute of Human Genetics, University of Goettingen
Classification: Uncertain significance for Cardiac valvular dysplasia, X-linked. Last evaluated: 2026-07-29. Review status: criteria provided, single submitter. Criteria: ACMG Guidelines, 2015. Collection method: clinical testing. Allele origin: maternal. Affected: yes. Observed: 1 variant allele, 1 hemizygote.
Comment: The NM_001110556.2(FLNA):c.1979T>C (p.Met660Thr) variant causes a missense change involving the alteration of a conserved nucleotide. The variant is absent from the gnomAD population database at sites with sufficient sequencing coverage. In-silico predictor (REVEL) classifies this variant as likely damaging/oncogenic. Splicing prediction tools (SpliceAI) predict no significant impact on normal splicing. The affected nucleotide is highly conserved across species (PhyloP 100-way vertebrate score: 9.19). No clinical diagnostic laboratories have submitted clinical-significance assessments for this variant to ClinVar. Other variants at the same amino acid position have been reported in ClinVar (not pathogenic): p.M660V: Conflicting_classifications_of_pathogenicity (ClinVar VariationId 2168489). ACMG criteria used for classification: PM2_sup, PP3_mod